The following is an entry in ClinVar:

ClinVar aggregate classification (germline): Uncertain significance (1 of 4 stars; one submission).

Conditions:
Leigh syndrome (NULS). Also called: Leigh's necrotizing encephalopathy; Leigh's disease; Leigh's syndrome; LEIGH SYNDROME, NUCLEAR; Leigh Syndrome (mtDNA deletion); Leigh Disease. Identifiers: Orphanet 506, MedGen C2931891, MONDO:0009723, OMIM 256000.

Submission:

Wong Mito Lab, Molecular and Human Genetics, Baylor College of Medicine
Classification: Uncertain significance for Leigh syndrome. Last evaluated: 2019-10-17. Review status: criteria provided, single submitter. Criteria: Modified ACMG Guidelines (Unpublished). Collection method: clinical testing. Allele origin: germline.
Comment: The NC_012920.1:m.15653A>G (YP_003024038.1:p.Met303Val) variant in MTCYB gene is interpretated to be a Uncertain Significance variant based on the modified ACMG guidelines (unpublished). This variant meets the following evidence codes: BP4

NC_012920.1(MT-CYB):m.15653A>G

Gene: MT-CYB (mitochondrially encoded cytochrome b; plus strand).
Variant type: single nucleotide variant.
Genome position: chrM-15653-A-G.
Identifiers: ClinVar variation 693923 (VCV000693923.1), dbSNP rs878890251, ClinGen allele CA337100475.